The following is an entry in ClinVar:

ClinVar aggregate classification (germline): Pathogenic. Review status: criteria provided, multiple submitters, no conflicts (2 of 4 stars). 3 submissions from 3 submitters: Pathogenic (3). Last evaluated 2024-08-20.

Conditions:
Deficiency of steroid 17-alpha-monooxygenase. Also called: 17-alpha-hydroxylase/17,20-lyase deficiency; 17-ALPHA-HYDROXYLASE DEFICIENCY; Congenital adrenal hyperplasia due to 17-alpha-hydroxylase deficiency; Congenital adrenal hyperplasia type 5; ADRENAL HYPERPLASIA V. Identifiers: Orphanet 90793, MedGen C0268285, MONDO:0008730, OMIM 202110.

Allele frequency attached by ClinVar (database versions not stated): ExAC 0.00002; gnomAD exomes 0.00001.
gnomAD v4.1: 11 of 1,609,392 alleles (0.00068%); highest among the groups gnomAD compares: East Asian, 0.025%; no homozygotes.

Submissions (3):

Natera, Inc.
Classification: Pathogenic for Deficiency of steroid 17-alpha-monooxygenase. Last evaluated: 2024-08-20. Review status: criteria provided, single submitter. Criteria: Natera Variant Classification Schema (03/2026). Collection method: clinical testing. Allele origin: germline.
Comment: The c.1118A>T variant in CYP17A1 is a missense variant predicted to cause substitution of histidine to leucine at amino acid 373. This variant is rare in the general population with a frequency below the threshold expected for the associated phenotype(s). This variant has been observed in one or more individuals affected with the associated recessive disease, as either homozygous or compound heterozygous with a second variant (PMID: 8245018). Additionally, this variant has been observed to segregate in affected family members (PMID: 8245018). Functional studies show that this variant may disrupt protein function (PMID: 8245018). A different variant at the same position has been determined to be Pathogenic or Likely Pathogenic. Computational prediction algorithms indicate this variant is likely to affect gene or protein function. Given the available evidence, this variant is classified as Pathogenic.

Labcorp Genetics (formerly Invitae), Labcorp
Classification: Pathogenic. Last evaluated: 2023-12-30. Review status: criteria provided, single submitter. Criteria: Invitae Variant Classification Sherloc (09022015). Collection method: clinical testing. Allele origin: germline.
Comment: This sequence change replaces histidine, which is basic and polar, with leucine, which is neutral and non-polar, at codon 373 of the CYP17A1 protein (p.His373Leu). This variant is present in population databases (rs760695410, gnomAD 0.02%). This missense change has been observed in individual(s) with congenital adrenal hyperplasia (PMID: 8245018, 10877510, 11549876, 12706306, 24140098). In at least one individual the data is consistent with being in trans (on the opposite chromosome) from a pathogenic variant. It has also been observed to segregate with disease in related individuals. ClinVar contains an entry for this variant (Variation ID: 654004). Advanced modeling of protein sequence and biophysical properties (such as structural, functional, and spatial information, amino acid conservation, physicochemical variation, residue mobility, and thermodynamic stability) performed at Invitae indicates that this missense variant is expected to disrupt CYP17A1 protein function with a positive predictive value of 95%. Experimental studies have shown that this missense change affects CYP17A1 function (PMID: 8245018). For these reasons, this variant has been classified as Pathogenic.

3billion
Classification: Pathogenic for Deficiency of steroid 17-alpha-monooxygenase. Last evaluated: 2023-06-21. Review status: criteria provided, single submitter. Criteria: ACMG Guidelines, 2015. Collection method: clinical testing. Allele origin: germline. Affected: yes.
Comment: The variant is observed at an extremely low frequency in the gnomAD v2.1.1 dataset (total allele frequency: 0.001%). Predicted Consequence/Location: Missense variant In silico tool predictions suggest damaging effect of the variant on gene or gene product (REVEL: 0.91; 3Cnet: 0.92). Same nucleotide change resulting in same amino acid change has been previously reported to be associated with CYP17A1 related disorder (ClinVar ID: VCV000654004 /PMID: 8245018). The variant has been reported to be in trans with a pathogenic variant as either compound heterozygous or homozygous in at least 2 similarly affected unrelated individuals (PMID: 10877510, 11549876, 12706306, 24140098, 8245018). Different missense changes at the same codon (p.His373Asn, p.His373Asp, p.His373Tyr) have been reported as pathogenic/likely pathogenic with strong evidence (ClinVar ID: VCV001065950, VCV001065951, VCV001460105 /PMID: 19470621, 19793597, 29278670). Therefore, this variant is classified as Pathogenic according to the recommendation of ACMG/AMP guideline.

Literature cited by the submitters: PubMed 8245018 (cited by 3 submitters); PubMed 10877510 (cited by Labcorp Genetics (formerly Invitae), Labcorp and 3billion); PubMed 11549876 (cited by Labcorp Genetics (formerly Invitae), Labcorp and 3billion); PubMed 12706306 (cited by Labcorp Genetics (formerly Invitae), Labcorp and 3billion); PubMed 24140098 (cited by Labcorp Genetics (formerly Invitae), Labcorp and 3billion); PubMed 19470621 (cited by 3billion).

NM_000102.4(CYP17A1):c.1118A>T (p.His373Leu)

Gene: CYP17A1 (cytochrome P450 family 17 subfamily A member 1; minus strand). Cytogenetic location: 10q24.32.
Variant type: single nucleotide variant.
Coding change: c.1118A>T on transcript NM_000102.4 (MANE Select); coding-DNA position 1118, A replaced by T.
Protein change: p.His373Leu; replaces histidine 373 with leucine.
Molecular consequence: missense variant.
Genome position (GRCh38, 1-based): chr10:102,832,532, T>A on the plus strand (A>T on the coding strand, the complement: CYP17A1 is on the minus strand). VCF-style: chr10-102832532-T-A. GRCh37 (hg19) VCF-style: chr10-104592289-T-A.
Other names: short protein forms H373L.
Identifiers: ClinVar variation 654004 (VCV000654004.14), dbSNP rs760695410, ClinGen allele CA5669401.